The following is an entry in ClinVar:

NM_030928.4(CDT1):c.1587C>G (p.Leu529=)

Gene: CDT1 (chromatin licensing and DNA replication factor 1; plus strand). Cytogenetic location: 16q24.3.
Variant type: single nucleotide variant.
Coding change: c.1587C>G on transcript NM_030928.4 (MANE Select); coding-DNA position 1587, C replaced by G.
Protein change: p.Leu529=; no amino-acid change (leucine 529 retained).
Molecular consequence: synonymous variant.
Genome position (GRCh38, 1-based): chr16:88,808,224, C>G. VCF-style: chr16-88808224-C-G. GRCh37 (hg19) VCF-style: chr16-88874632-C-G.
Identifiers: ClinVar variation 128673 (VCV000128673.21), dbSNP rs572275, ClinGen allele CA152266.

ClinVar aggregate classification (germline): Benign. Review status: criteria provided, multiple submitters, no conflicts (2 of 4 stars). 7 submissions from 7 submitters: Benign (6). 1 of the submissions does not count toward it. Last evaluated 2026-02-04.

Conditions:
Meier-Gorlin syndrome 4 (MGORS4). Identifiers: Orphanet 2554, MedGen C3151120, MONDO:0013431, OMIM 613804.

Allele frequency attached by ClinVar (database versions not stated): gnomAD 0.47081; ESP Exome Variant Server 0.48319; TOPMed 0.50535; 1000 Genomes Project 30x 0.55231; 1000 Genomes Project 0.55272.

Submissions (7):

Labcorp Genetics (formerly Invitae), Labcorp
Classification: Benign. Last evaluated: 2026-02-04. Review status: criteria provided, single submitter. Criteria: Invitae Variant Classification Sherloc (09022015). Collection method: clinical testing. Allele origin: germline.

Blueprint Genetics
Classification: Benign. Last evaluated: 2024-11-27. Review status: criteria provided, single submitter. Criteria: ACMG Guidelines, 2015. Collection method: clinical testing. Allele origin: germline.

Genome-Nilou Lab
Classification: Benign for Meier-Gorlin syndrome 4. Last evaluated: 2021-07-22. Review status: criteria provided, single submitter. Criteria: ACMG Guidelines, 2015. Collection method: clinical testing. Allele origin: germline. Affected: no.

GeneDx
Classification: Benign. Last evaluated: 2018-07-05. Review status: criteria provided, single submitter. Criteria: GeneDx Variant Classification Process June 2021. Collection method: clinical testing. Allele origin: germline. Affected: yes.

Breakthrough Genomics
Classification: Benign. Review status: criteria provided, single submitter. Criteria: ACMG Guidelines, 2015. Collection method: not provided. Allele origin: germline. Inheritance: Autosomal recessive inheritance. Affected: yes.

PreventionGenetics, part of Exact Sciences
Classification: Benign. Review status: criteria provided, single submitter. Criteria: ACMG Guidelines, 2015. Collection method: clinical testing. Allele origin: germline.

Genetic Services Laboratory, University of Chicago
Classification: Likely benign for AllHighlyPenetrant. Review status: no assertion criteria provided. Collection method: clinical testing. Allele origin: germline. Inheritance: Autosomal recessive inheritance. Not counted in ClinVar's aggregate classification.
Comment: Likely benign based on allele frequency in 1000 Genomes Project or ESP global frequency and its presence in a patient with a rare or unrelated disease phenotype. NOT Sanger confirmed.